The following is an entry in ClinVar:

NM_206933.4(USH2A):c.6845T>G (p.Leu2282Ter)

Gene: USH2A (usherin; minus strand). Cytogenetic location: 1q41.
Variant type: single nucleotide variant.
Coding change: c.6845T>G on transcript NM_206933.4 (MANE Select); coding-DNA position 6845, T replaced by G.
Protein change: p.Leu2282Ter; replaces leucine 2282 with a stop codon.
Molecular consequence: nonsense.
Genome position (GRCh38, 1-based): chr1:215,970,737, A>C on the plus strand (T>G on the coding strand, the complement: USH2A is on the minus strand). VCF-style: chr1-215970737-A-C. GRCh37 (hg19) VCF-style: chr1-216144079-A-C.
Other names: short protein forms L2282*.
Identifiers: ClinVar variation 1342898 (VCV001342898.1), dbSNP rs2102458475, ClinGen allele CA344854517.

ClinVar aggregate classification (germline): Pathogenic (1 of 4 stars; one submission).

Conditions:
Usher syndrome type 2A. Also called: USHER SYNDROME, TYPE IIA; RETINAL DISEASE IN USHER SYNDROME TYPE IIA, MODIFIER OF. Identifiers: Orphanet 231178, Orphanet 886, MedGen C1848634, MONDO:0010169, OMIM 276901.

Submission:

Institute of Human Genetics, University of Leipzig Medical Center
Classification: Pathogenic for Usher syndrome type 2A. Last evaluated: 2022-02-15. Review status: criteria provided, single submitter. Criteria: ACMG Guidelines, 2015. Collection method: clinical testing. Allele origin: unknown. Affected: yes.
Comment: This variant was identified as compound heterozygous with NM_206933.4:c.8682-9A>G._x000D_ Criteria applied: PVS1, PM2_SUP, PM3_SUP